The following is an entry in ClinVar:

ClinVar aggregate classification (germline): Uncertain significance (1 of 4 stars; one submission).

Conditions:
Hereditary cancer-predisposing syndrome. Also called: Hereditary neoplastic syndrome; Neoplastic Syndromes, Hereditary; Tumor predisposition; Hereditary Cancer Syndrome. Identifiers: Orphanet 140162, MedGen C0027672, MeSH D009386, MONDO:0015356.

Submission:

Ambry Genetics
Classification: Uncertain significance for Hereditary cancer-predisposing syndrome. Last evaluated: 2025-03-14. Review status: criteria provided, single submitter. Criteria: Ambry Variant Classification Scheme 2023. Collection method: clinical testing. Allele origin: germline.
Comment: The p.R796L variant (also known as c.2387G>T), located in coding exon 15 of the CDH1 gene, results from a G to T substitution at nucleotide position 2387. The arginine at codon 796 is replaced by leucine, an amino acid with dissimilar properties. This amino acid position is conserved. In addition, this alteration is predicted to be tolerated by in silico analysis. Based on the available evidence, the clinical significance of this variant remains unclear.

NM_004360.5(CDH1):c.2387G>T (p.Arg796Leu)

Gene: CDH1 (cadherin 1; plus strand). Cytogenetic location: 16q22.1.
Variant type: single nucleotide variant.
Coding change: c.2387G>T on transcript NM_004360.5 (MANE Select); coding-DNA position 2387, G replaced by T.
Protein change: p.Arg796Leu; replaces arginine 796 with leucine.
Molecular consequence: missense variant.
Genome position (GRCh38, 1-based): chr16:68,829,745, G>T. VCF-style: chr16-68829745-G-T. GRCh37 (hg19) VCF-style: chr16-68863648-G-T.
Other names: c.2204G>T, p.Arg735Leu (NM_001317184.2); c.839G>T, p.Arg280Leu (NM_001317185.2); c.422G>T, p.Arg141Leu (NM_001317186.2); short protein forms R141L, R796L, R280L, R735L.
Identifiers: ClinVar variation 3830008 (VCV003830008.1).